The following is an entry in ClinVar:

ClinVar aggregate classification (germline): Uncertain significance. Review status: criteria provided, multiple submitters, no conflicts (2 of 4 stars). 2 submissions from 2 submitters: Uncertain significance (2). Last evaluated 2021-10-01.

Allele frequency attached by ClinVar (database versions not stated): ExAC 0.00001; gnomAD exomes 0.00001.
gnomAD v4.1: 13 of 1,611,320 alleles (0.00081%); highest among the groups gnomAD compares: South Asian, 0.013%; no homozygotes.

Submissions (2):

Blueprint Genetics
Classification: Uncertain significance. Last evaluated: 2021-10-01. Review status: criteria provided, single submitter. Criteria: ACMG Guidelines, 2015. Collection method: clinical testing. Allele origin: germline.

Labcorp Genetics (formerly Invitae), Labcorp
Classification: Uncertain significance. Last evaluated: 2021-03-27. Review status: criteria provided, single submitter. Criteria: Invitae Variant Classification Sherloc (09022015). Collection method: clinical testing. Allele origin: germline.
Comment: In summary, the available evidence is currently insufficient to determine the role of this variant in disease. Therefore, it has been classified as a Variant of Uncertain Significance. Algorithms developed to predict the effect of missense changes on protein structure and function output the following: SIFT: "Tolerated"; PolyPhen-2: "Possibly Damaging"; Align-GVGD: "Class C0". The arginine amino acid residue is found in multiple mammalian species, suggesting that this missense change does not adversely affect protein function. These predictions have not been confirmed by published functional studies and their clinical significance is uncertain. This variant has not been reported in the literature in individuals with IFT81-related conditions. This variant is present in population databases (rs749821569, ExAC 0.006%). This sequence change replaces lysine with arginine at codon 75 of the IFT81 protein (p.Lys75Arg). The lysine residue is highly conserved and there is a small physicochemical difference between lysine and arginine.

NM_014055.4(IFT81):c.224A>G (p.Lys75Arg)

Gene: IFT81 (intraflagellar transport 81; plus strand). Cytogenetic location: 12q24.11.
Variant type: single nucleotide variant.
Coding change: c.224A>G on transcript NM_014055.4 (MANE Select); coding-DNA position 224, A replaced by G.
Protein change: p.Lys75Arg; replaces lysine 75 with arginine.
Molecular consequence: missense variant. On other transcripts: 5 prime UTR variant (2), non-coding transcript variant (4).
Genome position (GRCh38, 1-based): chr12:110,128,125, A>G. VCF-style: chr12-110128125-A-G. GRCh37 (hg19) VCF-style: chr12-110565930-A-G.
Other names: c.224A>G, p.Lys75Arg (NM_001143779.2, NM_001347946.2, NM_031473.4); c.-543A>G (NM_001347947.2, NM_001347948.2); short protein forms K75R.
Identifiers: ClinVar variation 1378187 (VCV001378187.7), dbSNP rs749821569, ClinGen allele CA6783022.
Genomic context (GRCh38, chr12:110,128,125, plus strand): 5'-AGGAGATGCCAGAGCAGACAGCCAAACGAATGTTGAGCCTTCTTGGTATTCTTAAGTACA[A>G]ACCTTCAGGAAATGCCACAGATATGTAAGAATCTGATCACGTATTGAGTTTTTAAAATTA-3'
Protein context (NP_054774.2, residues 65-85): MLSLLGILKY[Lys75Arg]PSGNATDMST